The following is an entry in ClinVar:

ClinVar aggregate classification (germline): Uncertain significance (1 of 4 stars; one submission).

Submission:

GeneDx
Classification: Uncertain significance. Last evaluated: 2024-08-14. Review status: criteria provided, single submitter. Criteria: GeneDx Variant Classification Process June 2021. Collection method: clinical testing. Allele origin: germline. Affected: yes.
Comment: Not observed at significant frequency in large population cohorts (gnomAD); In silico analysis supports that this missense variant has a deleterious effect on protein structure/function; Has not been previously published as pathogenic or benign to our knowledge

NM_001291415.2(KDM6A):c.3042T>G (p.Asn1014Lys)

Gene: KDM6A (lysine demethylase 6A; plus strand). Cytogenetic location: Xp11.3.
Variant type: single nucleotide variant.
Coding change: c.3042T>G on transcript NM_001291415.2 (MANE Select); coding-DNA position 3042, T replaced by G.
Protein change: p.Asn1014Lys; replaces asparagine 1014 with lysine.
Molecular consequence: missense variant. On other transcripts: non-coding transcript variant (1).
Genome position (GRCh38, 1-based): chrX:45,078,453, T>G. VCF-style: chrX-45078453-T-G. GRCh37 (hg19) VCF-style: chrX-44937698-T-G.
Other names: c.2907T>G, p.Asn969Lys (NM_001291416.2, NM_001419811.1); c.2751T>G, p.Asn917Lys (NM_001291417.2); c.2649T>G, p.Asn883Lys (NM_001291418.2, NM_001419815.1); c.1998T>G, p.Asn666Lys (NM_001291421.2); c.2784T>G, p.Asn928Lys (NM_001410742.1, NM_001419814.1); c.3042T>G, p.Asn1014Lys (NM_001419809.1); c.2940T>G, p.Asn980Lys (NM_001419810.1, NM_001419813.1); c.2886T>G, p.Asn962Lys (NM_001419812.1, NM_021140.4); short protein forms N1014K, N666K, N883K, N917K, N928K, N962K, N969K, N980K.
Identifiers: ClinVar variation 3764234 (VCV003764234.1).